The following is an entry in ClinVar:

ClinVar aggregate classification (germline): Uncertain significance (1 of 4 stars; one submission).

Submission:

Mayo Clinic Laboratories, Mayo Clinic
Classification: Uncertain significance. Last evaluated: 2023-04-25. Review status: criteria provided, single submitter. Criteria: ACMG Guidelines, 2015. Collection method: clinical testing. Allele origin: germline. Observed: 1 variant allele.
Comment: BP4_strong

NM_001365276.2(TNXB):c.11245G>A (p.Ala3749Thr)

Genes: TNXB (tenascin XB; minus strand), LOC106780803 (tenascin XB recombination region; plus strand). Cytogenetic location: 6p21.33.
Variant type: single nucleotide variant.
Coding change: c.11245G>A on transcript NM_001365276.2 (MANE Select); coding-DNA position 11245, G replaced by A.
Protein change: p.Ala3749Thr; replaces alanine 3749 with threonine.
Molecular consequence: missense variant.
Genome position (GRCh38, 1-based): chr6:32,044,399, C>T on the plus strand (G>A on the coding strand, the complement: TNXB is on the minus strand). VCF-style: chr6-32044399-C-T. GRCh37 (hg19) VCF-style: chr6-32012176-C-T.
Other names: p.Ala3747Thr; c.11239G>A, p.Ala3747Thr (NM_019105.8); c.532G>A, p.Ala178Thr (NM_032470.4); short protein forms A178T, A3747T, A3749T.
Identifiers: ClinVar variation 2682925 (VCV002682925.1), dbSNP rs1318800156, ClinGen allele CA363523185.
Genomic context (GRCh38, chr6:32,044,399, plus strand): 5'-CAAAGACCCCCACTTTGGGGCAGAGTGTGTGTGGGTCCTTACCTGGGCTGAGGGTGCGGG[C>T]GGTTCCCTGGATGCTGTCGGCCTTGTGGGGTCCTCGCAGCCCATACAGTGTCAGGCTGTA-3'
Protein context (NP_001352205.1, residues 3739-3759): PHKADSIQGT[Ala3749Thr]RTLSPVLESP